The following is an entry in ClinVar:

ClinVar aggregate classification (germline): Pathogenic. Review status: criteria provided, multiple submitters, no conflicts (2 of 4 stars). 3 submissions from 3 submitters: Pathogenic (2). 1 of the submissions does not count toward it. Last evaluated 2021-10-02.

Conditions:
Multiple congenital anomalies-hypotonia-seizures syndrome 3 (MCAHS3). Also called: GLYCOSYLPHOSPHATIDYLINOSITOL BIOSYNTHESIS DEFECT 7. Identifiers: Orphanet 369837, MedGen C3809356, MONDO:0014165, OMIM 615398.

Allele frequency attached by ClinVar (database versions not stated): TOPMed below 0.00001; gnomAD 0.00001; ExAC 0.00002; gnomAD exomes 0.00002.
gnomAD v4.1: 20 of 1,614,056 alleles (0.0012%); highest among the groups gnomAD compares: East Asian, 0.045%; no homozygotes.

Submissions (3):

3billion
Classification: Pathogenic for Multiple congenital anomalies-hypotonia-seizures syndrome 3. Last evaluated: 2021-10-02. Review status: criteria provided, single submitter. Criteria: ACMG Guidelines, 2015. Collection method: clinical testing. Allele origin: maternal. Affected: yes. Observed: 1 heterozygote.
Comment: Stop-gained (nonsense): predicted to result in a loss or disruption of normal protein function through nonsense-mediated decay (NMD) or protein truncation. Multiple pathogenic variants are reported downstream of the variant (PVS1_VS). It is observed at an extremely low frequency in the gnomAD v2.1.1 dataset (total allele frequency: 0.0000159, PM2). The variant was observed in trans with a pathogenic variant (NM_015937.5:c.1342C>T) as compound heterozygous (3billion dataset, PM3). Therefore, this variant is classified as pathogenic according to the recommendation of ACMG/AMP guideline.

Revvity Omics, Revvity
Classification: Pathogenic. Last evaluated: 2019-11-21. Review status: criteria provided, single submitter. Criteria: ACMG Guidelines, 2015. Collection method: clinical testing. Allele origin: germline.

OMIM
Classification: Pathogenic for MULTIPLE CONGENITAL ANOMALIES-HYPOTONIA-SEIZURES SYNDROME 3. Last evaluated: 2016-04-25. Review status: no assertion criteria provided. Collection method: literature only. Allele origin: germline. Not counted in ClinVar's aggregate classification.

Literature cited by the submitters: PubMed 24906948 (cited by OMIM).

NM_015937.6(PIGT):c.250G>T (p.Glu84Ter)

Gene: PIGT (phosphatidylinositol glycan anchor biosynthesis class T; plus strand). Cytogenetic location: 20q13.12.
Variant type: single nucleotide variant.
Coding change: c.250G>T on transcript NM_015937.6 (MANE Select); coding-DNA position 250, G replaced by T.
Protein change: p.Glu84Ter; replaces glutamic acid 84 with a stop codon.
Molecular consequence: nonsense. On other transcripts: non-coding transcript variant (3), intron variant (1).
Genome position (GRCh38, 1-based): chr20:45,416,579, G>T. VCF-style: chr20-45416579-G-T. GRCh37 (hg19) VCF-style: chr20-44045219-G-T.
Other names: c.250G>T, p.Glu84Ter (NM_001184728.3, NM_001184729.3); c.187+236G>T (NM_001184730.3); short protein forms E84*.
Identifiers: ClinVar variation 225546 (VCV000225546.6), dbSNP rs756632799, ClinGen allele CA9877834.